The following is an entry in ClinVar:

ClinVar aggregate classification (germline): Benign/Likely benign. Review status: criteria provided, multiple submitters, no conflicts (2 of 4 stars). 5 submissions from 5 submitters: Benign (1); Likely benign (4). Last evaluated 2026-01-26.

Conditions:
Saldino-Mainzer syndrome (SRTD9). Also called: CONORENAL SYNDROME; short-rib thoracic dysplasia 9 with or without polydactyly; Renal dysplasia, retinal pigmentary dystrophy, cerebellar ataxia and skeletal dysplasia; SHORT-RIB THORACIC DYSPLASIA 9 WITHOUT POLYDACTYLY. Identifiers: Orphanet 140969, MedGen C1849437, MONDO:0009964, OMIM 266920.
Retinitis pigmentosa 80 (RP80). Identifiers: MedGen C4540439, MONDO:0054708, OMIM 617781.
Retinal dystrophy. Also called: Inherited retinal dystrophy. Identifiers: Orphanet 71862, MedGen C0854723, MeSH D058499, MONDO:0019118, HP:0000556.
IFT140-related disorder. Also called: IFT140-related condition.

Allele frequency attached by ClinVar (database versions not stated): TOPMed 0.00009; 1000 Genomes Project 30x 0.00016; 1000 Genomes Project 0.00020; ExAC 0.00025; gnomAD exomes 0.00025; gnomAD 0.00004 and 0.00005.
gnomAD v4.1: 100 of 1,612,332 alleles (0.0062%); highest among the groups gnomAD compares: East Asian, 0.2%; 1 homozygote.

Submissions (5):

Labcorp Genetics (formerly Invitae), Labcorp
Classification: Benign for Saldino-Mainzer syndrome. Last evaluated: 2026-01-26. Review status: criteria provided, single submitter. Criteria: Invitae Variant Classification Sherloc (09022015). Collection method: clinical testing. Allele origin: germline.

PreventionGenetics, part of Exact Sciences
Classification: Likely benign for IFT140-related condition. Last evaluated: 2025-09-30. Review status: criteria provided, single submitter. Criteria: ACMG Guidelines, 2015. Collection method: clinical testing. Allele origin: germline.
Comment: This variant is classified as likely benign based on ACMG/AMP sequence variant interpretation guidelines (Richards et al. 2015 PMID: 25741868, with internal and published modifications).

Blueprint Genetics
Classification: Likely benign. Last evaluated: 2024-06-06. Review status: criteria provided, single submitter. Criteria: ACMG Guidelines, 2015. Collection method: clinical testing. Allele origin: germline.

Dept Of Ophthalmology, Nagoya University
Classification: Likely benign for Retinal dystrophy. Last evaluated: 2023-10-01. Review status: criteria provided, single submitter. Criteria: Submitter's publication. Collection method: research. Allele origin: germline. Affected: yes.

Fulgent Genetics
Classification: Likely benign for Saldino-Mainzer syndrome; Retinitis pigmentosa 80. Last evaluated: 2021-12-16. Review status: criteria provided, single submitter. Criteria: ACMG Guidelines, 2015. Collection method: clinical testing. Allele origin: unknown.

NM_014714.4(IFT140):c.3156C>T (p.Asp1052=)

Gene: IFT140 (intraflagellar transport 140; minus strand). Cytogenetic location: 16p13.3.
Variant type: single nucleotide variant.
Coding change: c.3156C>T on transcript NM_014714.4 (MANE Select); coding-DNA position 3156, C replaced by T.
Protein change: p.Asp1052=; no amino-acid change (aspartic acid 1052 retained).
Molecular consequence: synonymous variant.
Genome position (GRCh38, 1-based): chr16:1,523,942, G>A on the plus strand (C>T on the coding strand, the complement: IFT140 is on the minus strand). VCF-style: chr16-1523942-G-A. GRCh37 (hg19) VCF-style: chr16-1573943-G-A.
Other names: c.3156C>T (NM_014714.3).
Identifiers: ClinVar variation 1166923 (VCV001166923.13), dbSNP rs528573485, ClinGen allele CA7813272.